The following is an entry in ClinVar:

ClinVar aggregate classification (germline): Benign/Likely benign. Review status: criteria provided, multiple submitters, no conflicts (2 of 4 stars). 16 submissions from 13 submitters: Benign (11); Likely benign (1). 4 of the submissions do not count toward it. Last evaluated 2026-02-04.

Conditions:
ABCA4-related disorder. Also called: ABCA4-related condition; ABCA4-related disorders. Identifiers: MedGen CN239167.
Retinal dystrophy. Also called: Inherited retinal dystrophy. Identifiers: Orphanet 71862, MedGen C0854723, MeSH D058499, MONDO:0019118, HP:0000556.
Age related macular degeneration 2. Also called: MACULAR DEGENERATION, SENILE; MACULOPATHY, AGE-RELATED, 2; MACULOPATHY, AGE-RELATED. Identifiers: MedGen C3495438, MONDO:0007932, OMIM 153800.
Retinitis pigmentosa 19 (RP19). Also called: ABCA4-Related Retinitis Pigmentosa. Identifiers: Orphanet 791, MedGen C1866422, MONDO:0011137, OMIM 601718.
Cone-rod dystrophy 3 (CORD3). Identifiers: Orphanet 1872, MedGen C1858806, MONDO:0011395, OMIM 604116.
Severe early-childhood-onset retinal dystrophy (STGD1). Also called: MACULAR DYSTROPHY WITH FLECKS, TYPE 1; STGD; Stargardt disease 1; Stargardt macular dystrophy; Juvenile onset macular degeneration. Identifiers: Orphanet 364055, Orphanet 827, MedGen C1855465, MeSH D000080362, MONDO:0009549, OMIM 248200.

Allele frequency attached by ClinVar (database versions not stated): gnomAD exomes 0.18764 and 0.18980; gnomAD 0.20212 and 0.20473; ESP Exome Variant Server 0.20690; 1000 Genomes Project 0.18750; ExAC 0.18859; TOPMed 0.20791; 1000 Genomes Project 30x 0.19004.
gnomAD v4.1: 304,680 of 1,613,452 alleles (19%); highest among the groups gnomAD compares: African/African-American, 24%; 29,638 homozygotes.

Submissions (16):

Labcorp Genetics (formerly Invitae), Labcorp
Classification: Benign. Last evaluated: 2026-02-04. Review status: criteria provided, single submitter. Criteria: Invitae Variant Classification Sherloc (09022015). Collection method: clinical testing. Allele origin: germline.

Blueprint Genetics
Classification: Benign. Last evaluated: 2024-11-26. Review status: criteria provided, single submitter. Criteria: ACMG Guidelines, 2015. Collection method: clinical testing. Allele origin: germline.

ARUP Laboratories, Molecular Genetics and Genomics, ARUP Laboratories
Classification: Benign. Last evaluated: 2023-11-22. Review status: criteria provided, single submitter. Criteria: ARUP Molecular Germline Variant Investigation Process 2024. Collection method: clinical testing. Allele origin: germline.

Dept Of Ophthalmology, Nagoya University
Classification: Benign for Retinal dystrophy. Last evaluated: 2023-10-01. Review status: criteria provided, single submitter. Criteria: Submitter's publication. Collection method: research. Allele origin: germline. Affected: yes.

Genome-Nilou Lab
Classification: Benign for Severe early-childhood-onset retinal dystrophy. Last evaluated: 2021-07-14. Review status: criteria provided, single submitter. Criteria: ACMG Guidelines, 2015. Collection method: clinical testing. Allele origin: germline. Affected: no.

Genome-Nilou Lab
Classification: Benign for Retinitis pigmentosa 19. Last evaluated: 2021-07-14. Review status: criteria provided, single submitter. Criteria: ACMG Guidelines, 2015. Collection method: clinical testing. Allele origin: germline. Affected: no.

Genome-Nilou Lab
Classification: Benign for Cone-rod dystrophy 3. Last evaluated: 2021-07-14. Review status: criteria provided, single submitter. Criteria: ACMG Guidelines, 2015. Collection method: clinical testing. Allele origin: germline. Affected: no.

Genome-Nilou Lab
Classification: Benign for Age related macular degeneration 2. Last evaluated: 2021-07-14. Review status: criteria provided, single submitter. Criteria: ACMG Guidelines, 2015. Collection method: clinical testing. Allele origin: germline. Affected: no.

Illumina Laboratory Services, Illumina
Classification: Benign for ABCA4-Related Disorders. Last evaluated: 2018-01-13. Review status: criteria provided, single submitter. Criteria: ICSL Variant Classification Criteria 13 December 2019. Collection method: clinical testing. Allele origin: germline.
Comment: This variant was observed in the ICSL laboratory as part of a predisposition screen in an ostensibly healthy population. It had not been previously curated by ICSL or reported in the Human Gene Mutation Database (HGMD: prior to June 1st, 2018), and was therefore a candidate for classification through an automated scoring system. Utilizing variant allele frequency, disease prevalence and penetrance estimates, and inheritance mode, an automated score was calculated to assess if this variant is too frequent to cause the disease. Based on the score and internal cut-off values, a variant classified as benign is not then subjected to further curation. The score for this variant resulted in a classification of benign for this disease.

GeneDx
Classification: Benign. Last evaluated: 2012-10-10. Review status: criteria provided, single submitter. Criteria: GeneDx Variant Classification (06012015). Collection method: clinical testing. Allele origin: germline. Affected: yes.
Comment: This variant is considered likely benign or benign based on one or more of the following criteria: it is a conservative change, it occurs at a poorly conserved position in the protein, it is predicted to be benign by multiple in silico algorithms, and/or has population frequency not consistent with disease.

Breakthrough Genomics
Classification: Likely benign. Review status: criteria provided, single submitter. Criteria: ACMG Guidelines, 2015. Collection method: not provided. Allele origin: germline. Inheritance: Autosomal recessive inheritance. Affected: yes.

PreventionGenetics, part of Exact Sciences
Classification: Benign. Review status: criteria provided, single submitter. Criteria: ACMG Guidelines, 2015. Collection method: clinical testing. Allele origin: germline.

Clinical Genetics DNA and cytogenetics Diagnostics Lab, Erasmus MC, Erasmus Medical Center
Classification: Benign. Review status: no assertion criteria provided. Collection method: clinical testing. Allele origin: germline. Affected: yes. Study: VKGL Data-share Consensus. Not counted in ClinVar's aggregate classification.

Diagnostic Laboratory, Department of Genetics, University Medical Center Groningen
Classification: Benign. Review status: no assertion criteria provided. Collection method: clinical testing. Allele origin: germline. Affected: yes. Study: VKGL Data-share Consensus. Not counted in ClinVar's aggregate classification.

Joint Genome Diagnostic Labs from Nijmegen and Maastricht, Radboudumc and MUMC+
Classification: Benign. Review status: no assertion criteria provided. Collection method: clinical testing. Allele origin: germline. Affected: yes. Study: VKGL Data-share Consensus. Not counted in ClinVar's aggregate classification.

Retina International
No classification provided. Review status: no classification provided. Collection method: not provided. Allele origin: unknown. Not counted in ClinVar's aggregate classification.

NM_000350.3(ABCA4):c.5814A>G (p.Leu1938=)

Gene: ABCA4 (ATP binding cassette subfamily A member 4; minus strand). Cytogenetic location: 1p22.1.
Variant type: single nucleotide variant.
Coding change: c.5814A>G on transcript NM_000350.3 (MANE Select); coding-DNA position 5814, A replaced by G.
Protein change: p.Leu1938=; no amino-acid change (leucine 1938 retained).
Molecular consequence: synonymous variant.
Genome position (GRCh38, 1-based): chr1:94,008,772, T>C on the plus strand (A>G on the coding strand, the complement: ABCA4 is on the minus strand). VCF-style: chr1-94008772-T-C. GRCh37 (hg19) VCF-style: chr1-94474328-T-C.
Other names: p.L1938L:TTA>TTG; c.5592A>G, p.Leu1864= (NM_001425324.1).
Identifiers: ClinVar variation 99407 (VCV000099407.38), dbSNP rs4147857, ClinGen allele CA285820.
Genomic context (GRCh38, chr1:94,008,772, plus strand): 5'-ATCTAACCAGCACCTCCAAACTCATACCCATTCCCTTACCTTGGTTAGTTCATGTAGCCT[T>C]AAGATGTCAGTTTTATTTCCACCAGTAATAATTCTTTGTCTTTCTTCAGCCACATCATCA-3'
Protein context (NP_000341.2, residues 1928-1948): IITGGNKTDI[Leu1938=]RLHELTKIYP